The following is an entry in ClinVar:

ClinVar aggregate classification (germline): Uncertain significance. Review status: no assertion criteria provided (0 of 4 stars). 2 submissions from 1 submitter: Uncertain significance (1). 1 of the submissions does not count toward it.

Submissions (2):

Richard Lifton Laboratory, Yale University School of Medicine
Classification: Uncertain significance. Review status: no assertion criteria provided. Collection method: not provided. Allele origin: somatic.
Comment: MBD5:p.T302A
ClinVar note: Converted during submission from unknown to Uncertain significance.

Richard Lifton Laboratory, Yale University School of Medicine
Classification: Uncertain significance. Review status: flagged submission. Collection method: not provided. Allele origin: somatic. Not counted in ClinVar's aggregate classification.
ClinVar note: Converted during submission from unknown to Uncertain significance.
ClinVar note: Reason: This record appears to be redundant with a more recent record from the same submitter.
ClinVar note: Notes: SCV000120096 appears to be redundant with SCV000155200.

NM_001378120.1(MBD5):c.904A>G (p.Thr302Ala)

Gene: MBD5 (methyl-CpG binding domain protein 5; plus strand). Cytogenetic location: 2q23.1.
Variant type: single nucleotide variant.
Coding change: c.904A>G on transcript NM_001378120.1 (MANE Select); coding-DNA position 904, A replaced by G.
Protein change: p.Thr302Ala; replaces threonine 302 with alanine.
Molecular consequence: missense variant.
Genome position (GRCh38, 1-based): chr2:148,468,847, A>G. VCF-style: chr2-148468847-A-G. GRCh37 (hg19) VCF-style: chr2-149226416-A-G.
Other names: c.904A>G, p.Thr302Ala (NM_018328.5); short protein forms T302A.
Identifiers: ClinVar variation 100871 (VCV000100871.2), dbSNP rs483352748, ClinGen allele CA229169.